The following is an entry in ClinVar:

NM_017617.5(NOTCH1):c.4798C>T (p.Leu1600=)

Gene: NOTCH1 (notch receptor 1; minus strand). Cytogenetic location: 9q34.3.
Variant type: single nucleotide variant.
Coding change: c.4798C>T on transcript NM_017617.5 (MANE Select); coding-DNA position 4798, C replaced by T.
Protein change: p.Leu1600=; no amino-acid change (leucine 1600 retained).
Molecular consequence: synonymous variant.
Genome position (GRCh38, 1-based): chr9:136,504,893, G>A on the plus strand (C>T on the coding strand, the complement: NOTCH1 is on the minus strand). VCF-style: chr9-136504893-G-A. GRCh37 (hg19) VCF-style: chr9-139399345-G-A.
Other names: c.4798C>T, p.Leu1600= (LRG_1122t1).
Identifiers: ClinVar variation 508476 (VCV000508476.1), dbSNP rs1554727850, ClinGen allele CA467832739.

ClinVar aggregate classification (germline): Likely benign (1 of 4 stars; one submission).

Submission:

GeneDx
Classification: Likely benign. Last evaluated: 2017-04-03. Review status: criteria provided, single submitter. Criteria: GeneDx Variant Classification (06012015). Collection method: clinical testing. Allele origin: germline. Affected: yes.
Comment: This variant is considered likely benign or benign based on one or more of the following criteria: it is a conservative change, it occurs at a poorly conserved position in the protein, it is predicted to be benign by multiple in silico algorithms, and/or has population frequency not consistent with disease.